The following is an entry in ClinVar:

NM_015541.3(LRIG1):c.27C>T (p.Leu9=)

Gene: LRIG1 (leucine rich repeats and immunoglobulin like domains 1; minus strand). Cytogenetic location: 3p14.1.
Variant type: single nucleotide variant.
Coding change: c.27C>T on transcript NM_015541.3 (MANE Select); coding-DNA position 27, C replaced by T.
Protein change: p.Leu9=; no amino-acid change (leucine 9 retained).
Molecular consequence: synonymous variant. On other transcripts: intron variant (1).
Genome position (GRCh38, 1-based): chr3:66,500,381, G>A on the plus strand (C>T on the coding strand, the complement: LRIG1 is on the minus strand). VCF-style: chr3-66500381-G-A. GRCh37 (hg19) VCF-style: chr3-66550805-G-A.
Other names: c.27C>T, p.Leu9= (NM_001377344.1); c.-563+712C>T (NM_001377345.1).
Identifiers: ClinVar variation 3040865 (VCV003040865.2), dbSNP rs750006563, ClinGen allele CA2485316.

ClinVar aggregate classification (germline): Likely benign (0 of 4 stars; one submission).

Conditions:
LRIG1-related disorder. Also called: LRIG1-related condition.

Allele frequency attached by ClinVar (database versions not stated): TOPMed 0.00040; 1000 Genomes Project 30x 0.00031; gnomAD 0.00032.
gnomAD v4.1: 97 of 1,470,724 alleles (0.0066%); highest among the groups gnomAD compares: African/African-American, 0.12%; 1 homozygote.

Submission:

PreventionGenetics, part of Exact Sciences
Classification: Likely benign for LRIG1-related condition. Last evaluated: 2019-09-17. Review status: no assertion criteria provided. Collection method: clinical testing. Allele origin: germline.
Comment: This variant is classified as likely benign based on ACMG/AMP sequence variant interpretation guidelines (Richards et al. 2015 PMID: 25741868, with internal and published modifications).